The following is an entry in ClinVar:

ClinVar aggregate classification (germline): Uncertain significance (1 of 4 stars; one submission).

Conditions:
Inborn genetic diseases. Identifiers: MedGen C0950123, MeSH D030342.

Submission:

Ambry Genetics
Classification: Uncertain significance for Inborn genetic diseases. Last evaluated: 2025-05-19. Review status: criteria provided, single submitter. Criteria: Ambry Variant Classification Scheme 2023. Collection method: clinical testing. Allele origin: germline.
Comment: The p.R265S variant (also known as c.795G>C), located in coding exon 5 of the ELANE gene, results from a G to C substitution at nucleotide position 795. The arginine at codon 265 is replaced by serine, an amino acid with dissimilar properties. This amino acid position is conserved. In addition, the in silico prediction for this alteration is inconclusive. Based on the available evidence, the clinical significance of this variant remains unclear.

NM_001972.4(ELANE):c.795G>C (p.Arg265Ser)

Gene: ELANE (elastase, neutrophil expressed; plus strand). Cytogenetic location: 19p13.3.
Variant type: single nucleotide variant.
Coding change: c.795G>C on transcript NM_001972.4 (MANE Select); coding-DNA position 795, G replaced by C.
Protein change: p.Arg265Ser; replaces arginine 265 with serine.
Molecular consequence: missense variant.
Genome position (GRCh38, 1-based): chr19:856,155, G>C. VCF-style: chr19-856155-G-C. GRCh37 (hg19) VCF-style: chr19-856155-G-C.
Other names: short protein forms R265S.
Identifiers: ClinVar variation 4017394 (VCV004017394.1).